The following is an entry in ClinVar:

NM_015386.3(COG4):c.35C>T (p.Pro12Leu)

Gene: COG4 (component of oligomeric golgi complex 4; minus strand). Cytogenetic location: 16q22.1.
Variant type: single nucleotide variant.
Coding change: c.35C>T on transcript NM_015386.3 (MANE Select); coding-DNA position 35, C replaced by T.
Protein change: p.Pro12Leu; replaces proline 12 with leucine.
Molecular consequence: missense variant. On other transcripts: 5 prime UTR variant (1), non-coding transcript variant (1).
Genome position (GRCh38, 1-based): chr16:70,523,509, G>A on the plus strand (C>T on the coding strand, the complement: COG4 is on the minus strand). VCF-style: chr16-70523509-G-A. GRCh37 (hg19) VCF-style: chr16-70557412-G-A.
Other names: c.23C>T, p.Pro8Leu (NM_001195139.2); c.-565C>T (NM_001365426.1); short protein forms P12L, P8L.
Identifiers: ClinVar variation 1360641 (VCV001360641.9), dbSNP rs146758430, ClinGen allele CA396581607.
Genomic context (GRCh38, chr16:70,523,509, plus strand): 5'-ATTTCGGAGCAGCGGCCACCTCCCACCCCCTCAGACGGCTGCTGCACCCCTGACAGCTTC[G>A]GAGGCGAATCAAGGTCCGCCATCTTGGTCCCCATTCGGCACTTCCGGTCCCGCGAGGCCC-3'
Protein context (NP_056201.2, residues 2-22): GTKMADLDSP[Pro12Leu]KLSGVQQPSE

ClinVar aggregate classification (germline): Uncertain significance. Review status: criteria provided, multiple submitters, no conflicts (2 of 4 stars). 2 submissions from 2 submitters: Uncertain significance (2). Last evaluated 2024-06-13.

Conditions:
COG4-congenital disorder of glycosylation. Also called: COG4-CDG; CONGENITAL DISORDER OF GLYCOSYLATION, TYPE IIj; CDG IIj. Identifiers: Orphanet 263501, MedGen C4303552, MONDO:0013281, OMIM 613489.
Microcephalic osteodysplastic dysplasia, Saul-Wilson type. Also called: Saul-Wilson Syndrome; MICROCEPHALIC OSTEODYSPLASTIC DYSPLASIA. Identifiers: Orphanet 85172, MedGen C4509877, MONDO:0019407, OMIM 618150.

gnomAD v4.1: 6 of 1,613,922 alleles (0.00037%); highest among the groups gnomAD compares: Middle Eastern, 0.016%; no homozygotes.

Submissions (2):

Fulgent Genetics
Classification: Uncertain significance for COG4-congenital disorder of glycosylation; Microcephalic osteodysplastic dysplasia, Saul-Wilson type. Last evaluated: 2024-06-13. Review status: criteria provided, single submitter. Criteria: ACMG Guidelines, 2015. Collection method: clinical testing. Allele origin: germline.

Labcorp Genetics (formerly Invitae), Labcorp
Classification: Uncertain significance for COG4-congenital disorder of glycosylation. Last evaluated: 2021-03-31. Review status: criteria provided, single submitter. Criteria: Invitae Variant Classification Sherloc (09022015). Collection method: clinical testing. Allele origin: germline.
Comment: This sequence change replaces proline with leucine at codon 12 of the COG4 protein (p.Pro12Leu). The proline residue is weakly conserved and there is a moderate physicochemical difference between proline and leucine. This variant is not present in population databases (ExAC no frequency). In summary, the available evidence is currently insufficient to determine the role of this variant in disease. Therefore, it has been classified as a Variant of Uncertain Significance. Algorithms developed to predict the effect of missense changes on protein structure and function output the following: SIFT: "Tolerated"; PolyPhen-2: "Benign"; Align-GVGD: "Class C0". The leucine amino acid residue is found in multiple mammalian species, suggesting that this missense change does not adversely affect protein function. These predictions have not been confirmed by published functional studies and their clinical significance is uncertain. This variant has not been reported in the literature in individuals with COG4-related conditions.